The following is an entry in ClinVar:

ClinVar aggregate classification (germline): Uncertain significance. Review status: criteria provided, multiple submitters, no conflicts (2 of 4 stars). 2 submissions from 2 submitters: Uncertain significance (2). Last evaluated 2023-09-22.

Conditions:
Norman-Roberts syndrome (LIS2). Also called: Lissencephaly 2 (Norman-Roberts type). Identifiers: Orphanet 89844, MedGen C0796089, MONDO:0009760, OMIM 257320.
Familial temporal lobe epilepsy 7. Identifiers: Orphanet 101046, MedGen C4225327, MONDO:0014639, OMIM 616436.

Allele frequency attached by ClinVar (database versions not stated): TOPMed 0.00001.
gnomAD v4.1: 8 of 1,613,904 alleles (0.0005%); highest among the groups gnomAD compares: South Asian, 0.0011%; no homozygotes.

Submissions (2):

Labcorp Genetics (formerly Invitae), Labcorp
Classification: Uncertain significance for Familial temporal lobe epilepsy 7; Norman-Roberts syndrome. Last evaluated: 2023-09-22. Review status: criteria provided, single submitter. Criteria: Invitae Variant Classification Sherloc (09022015). Collection method: clinical testing. Allele origin: germline.
Comment: Advanced modeling of protein sequence and biophysical properties (such as structural, functional, and spatial information, amino acid conservation, physicochemical variation, residue mobility, and thermodynamic stability) performed at Invitae indicates that this missense variant is not expected to disrupt RELN protein function. In summary, the available evidence is currently insufficient to determine the role of this variant in disease. Therefore, it has been classified as a Variant of Uncertain Significance. ClinVar contains an entry for this variant (Variation ID: 1001415). This sequence change replaces arginine, which is basic and polar, with proline, which is neutral and non-polar, at codon 2192 of the RELN protein (p.Arg2192Pro). This variant is not present in population databases (gnomAD no frequency). This missense change has been observed in individual(s) with neurodevelopmental disorder (PMID: 33004838).

Women's Health and Genetics/Laboratory Corporation of America, LabCorp
Classification: Uncertain significance. Last evaluated: 2022-11-04. Review status: criteria provided, single submitter. Criteria: LabCorp Variant Classification Summary - May 2015. Collection method: clinical testing. Allele origin: germline.
Comment: Variant summary: RELN c.6575G>C (p.Arg2192Pro) results in a non-conservative amino acid change in the encoded protein sequence. Three of four in-silico tools predict a damaging effect of the variant on protein function. The variant was absent in 251328 control chromosomes. The available data on variant occurrences in the general population are insufficient to allow any conclusion about variant significance. c.6575G>C has been reported in the literature in an individual affected with Neurodevelopmental disorder (Wang_2020). This report does not provide unequivocal conclusions about association of the variant with RELN-Related Disorders. To our knowledge, no experimental evidence demonstrating an impact on protein function has been reported. One clinical diagnostic laboratory has submitted clinical-significance assessments for this variant to ClinVar after 2014 without evidence for independent evaluation and classified the variant as uncertain significance. Based on the evidence outlined above, the variant was classified as uncertain significance.

Literature cited by the submitters: PubMed 33004838 (cited by Labcorp Genetics (formerly Invitae), Labcorp and Women's Health and Genetics/Laboratory Corporation of America, LabCorp).

NM_005045.4(RELN):c.6575G>C (p.Arg2192Pro)

Gene: RELN (reelin; minus strand). Cytogenetic location: 7q22.1.
Variant type: single nucleotide variant.
Coding change: c.6575G>C on transcript NM_005045.4 (MANE Select); coding-DNA position 6575, G replaced by C.
Protein change: p.Arg2192Pro; replaces arginine 2192 with proline.
Molecular consequence: missense variant.
Genome position (GRCh38, 1-based): chr7:103,542,827, C>G on the plus strand (G>C on the coding strand, the complement: RELN is on the minus strand). VCF-style: chr7-103542827-C-G. GRCh37 (hg19) VCF-style: chr7-103183274-C-G.
Other names: c.6575G>C, p.Arg2192Pro (NM_173054.3); short protein forms R2192P.
Identifiers: ClinVar variation 1001415 (VCV001001415.9), dbSNP rs1309424440, ClinGen allele CA368770507.